The following is an entry in ClinVar:

ClinVar aggregate classification (germline): Uncertain significance (1 of 4 stars; one submission).

Conditions:
Intellectual developmental disorder, X-linked, syndromic, Raymond type. Also called: Syndromic X-linked intellectual disability Raymond type. Identifiers: MedGen C3275406, MONDO:0010427, OMIM 300799.

Allele frequency attached by ClinVar (database versions not stated): gnomAD exomes below 0.00001.
gnomAD v4.1: 1 of 1,211,830 alleles (0.000083%); no homozygotes.

Submission:

Labcorp Genetics (formerly Invitae), Labcorp
Classification: Uncertain significance for Intellectual developmental disorder, X-linked, syndromic, Raymond type. Last evaluated: 2023-11-18. Review status: criteria provided, single submitter. Criteria: Invitae Variant Classification Sherloc (09022015). Collection method: clinical testing. Allele origin: germline.
Comment: This sequence change replaces proline, which is neutral and non-polar, with leucine, which is neutral and non-polar, at codon 66 of the ZDHHC9 protein (p.Pro66Leu). This variant is present in population databases (no rsID available, gnomAD 0.006%). This variant has not been reported in the literature in individuals affected with ZDHHC9-related conditions. Advanced modeling of protein sequence and biophysical properties (such as structural, functional, and spatial information, amino acid conservation, physicochemical variation, residue mobility, and thermodynamic stability) performed at Invitae indicates that this missense variant is not expected to disrupt ZDHHC9 protein function with a negative predictive value of 80%. In summary, the available evidence is currently insufficient to determine the role of this variant in disease. Therefore, it has been classified as a Variant of Uncertain Significance.

NM_016032.4(ZDHHC9):c.197C>T (p.Pro66Leu)

Gene: ZDHHC9 (zDHHC palmitoyltransferase 9; minus strand). Cytogenetic location: Xq26.1.
Variant type: single nucleotide variant.
Coding change: c.197C>T on transcript NM_016032.4 (MANE Select); coding-DNA position 197, C replaced by T.
Protein change: p.Pro66Leu; replaces proline 66 with leucine.
Molecular consequence: missense variant.
Genome position (GRCh38, 1-based): chrX:129,829,112, G>A on the plus strand (C>T on the coding strand, the complement: ZDHHC9 is on the minus strand). VCF-style: chrX-129829112-G-A. GRCh37 (hg19) VCF-style: chrX-128963088-G-A.
Other names: c.197C>T, p.Pro66Leu (NM_001008222.3); short protein forms P66L.
Identifiers: ClinVar variation 2697088 (VCV002697088.3), dbSNP rs1347637975, ClinGen allele CA414593244.